The following is an entry in ClinVar:

ClinVar aggregate classification (germline): Conflicting classifications of pathogenicity. Review status: criteria provided, conflicting classifications (1 of 4 stars). 5 submissions from 5 submitters: Uncertain significance (4); Likely benign (1). Last evaluated 2026-09-18.

Conditions:
BAP1-related disorder. Also called: BAP1-related condition.
Hereditary cancer-predisposing syndrome. Also called: Neoplastic Syndromes, Hereditary; Hereditary Cancer Syndrome; Tumor predisposition; Hereditary neoplastic syndrome. Identifiers: Orphanet 140162, MedGen C0027672, MeSH D009386, MONDO:0015356.
BAP1-related tumor predisposition syndrome (TPDS1). Also called: Tumor susceptibility linked to germline BAP1 mutations; COMMON Syndrome; BAP1 tumor predisposition syndrome; TUMOR PREDISPOSITION SYNDROME 1. Identifiers: Orphanet 289539, MedGen C3280492, MONDO:0013692, OMIM 614327.

Allele frequency attached by ClinVar (database versions not stated): gnomAD 0.00001; gnomAD exomes 0.00001 and 0.00002.

Submissions (5):

PreventionGenetics, part of Exact Sciences
Classification: Uncertain significance for BAP1-related condition. Last evaluated: 2026-09-18. Review status: criteria provided, single submitter. Criteria: ACMG Guidelines, 2015. Collection method: clinical testing. Allele origin: germline.
Comment: The BAP1 c.526A>G variant is predicted to result in the amino acid substitution p.Ile176Val. To our knowledge, this variant has not been reported in the literature. This variant is reported in 0.0087% of alleles in individuals of Latino descent in gnomAD. This variant has conflicting classifications in ClinVar, ranging from uncertain significance to likely benign (Variation ID: 490870). At this time, the clinical significance of this variant is uncertain due to the absence of conclusive functional and genetic evidence.

Labcorp Genetics (formerly Invitae), Labcorp
Classification: Uncertain significance for BAP1-related tumor predisposition syndrome. Last evaluated: 2025-07-02. Review status: criteria provided, single submitter. Criteria: Invitae Variant Classification Sherloc (09022015). Collection method: clinical testing. Allele origin: germline.
Comment: This sequence change replaces isoleucine, which is neutral and non-polar, with valine, which is neutral and non-polar, at codon 176 of the BAP1 protein (p.Ile176Val). This variant is present in population databases (no rsID available, gnomAD 0.009%). This variant has not been reported in the literature in individuals affected with BAP1-related conditions. ClinVar contains an entry for this variant (Variation ID: 490870). Invitae Evidence Modeling of protein sequence and biophysical properties (such as structural, functional, and spatial information, amino acid conservation, physicochemical variation, residue mobility, and thermodynamic stability) indicates that this missense variant is not expected to disrupt BAP1 protein function with a negative predictive value of 80%. In summary, the available evidence is currently insufficient to determine the role of this variant in disease. Therefore, it has been classified as a Variant of Uncertain Significance.

Color Diagnostics, LLC DBA Color Health
Classification: Uncertain significance for Hereditary cancer-predisposing syndrome. Last evaluated: 2024-03-06. Review status: criteria provided, single submitter. Criteria: ACMG Guidelines, 2015. Collection method: clinical testing. Allele origin: germline.
Comment: This missense variant replaces isoleucine with valine at codon 176 of the BAP1 protein. Computational prediction suggests that this variant may not impact protein structure and function (internally defined REVEL score threshold <= 0.5, PMID: 27666373). Splice site prediction tools suggest that this variant may not impact RNA splicing. To our knowledge, functional studies have not been performed for this variant. This variant has not been reported in individuals affected with hereditary cancer in the literature. This variant has been identified in 5/251428 chromosomes in the general population by the Genome Aggregation Database (gnomAD). The available evidence is insufficient to determine the role of this variant in disease conclusively. Therefore, this variant is classified as a Variant of Uncertain Significance.

GeneDx
Classification: Uncertain significance. Last evaluated: 2024-02-15. Review status: criteria provided, single submitter. Criteria: GeneDx Variant Classification Process June 2021. Collection method: clinical testing. Allele origin: germline. Affected: yes.
Comment: Not observed at significant frequency in large population cohorts (gnomAD); In silico analysis supports that this missense variant does not alter protein structure/function; Has not been previously published as pathogenic or benign to our knowledge

Ambry Genetics
Classification: Likely benign for Hereditary cancer-predisposing syndrome. Last evaluated: 2022-02-17. Review status: criteria provided, single submitter. Criteria: Ambry Variant Classification Scheme 2023. Collection method: clinical testing. Allele origin: germline.

NM_004656.4(BAP1):c.526A>G (p.Ile176Val)

Gene: BAP1 (BRCA1 associated deubiquitinase 1; minus strand). Cytogenetic location: 3p21.1.
Variant type: single nucleotide variant.
Coding change: c.526A>G on transcript NM_004656.4 (MANE Select); coding-DNA position 526, A replaced by G.
Protein change: p.Ile176Val; replaces isoleucine 176 with valine.
Molecular consequence: missense variant.
Genome position (GRCh38, 1-based): chr3:52,407,228, T>C on the plus strand (A>G on the coding strand, the complement: BAP1 is on the minus strand). VCF-style: chr3-52407228-T-C. GRCh37 (hg19) VCF-style: chr3-52441244-T-C.
Other names: short protein forms I176V.
Identifiers: ClinVar variation 490870 (VCV000490870.17), dbSNP rs1040041070, ClinGen allele CA74743734.